The following is an entry in ClinVar:

NM_002834.5(PTPN11):c.1049C>A (p.Ser350Tyr)

Gene: PTPN11 (protein tyrosine phosphatase non-receptor type 11; plus strand). Cytogenetic location: 12q24.13.
Variant type: single nucleotide variant.
Coding change: c.1049C>A on transcript NM_002834.5 (MANE Select); coding-DNA position 1049, C replaced by A.
Protein change: p.Ser350Tyr; replaces serine 350 with tyrosine.
Molecular consequence: missense variant.
Genome position (GRCh38, 1-based): chr12:112,477,972, C>A. VCF-style: chr12-112477972-C-A. GRCh37 (hg19) VCF-style: chr12-112915776-C-A.
Other names: c.1049C>A, p.Ser350Tyr (NM_001330437.2, NM_080601.3); c.1046C>A, p.Ser349Tyr (NM_001374625.1); short protein forms S349Y, S350Y.
Identifiers: ClinVar variation 1347267 (VCV001347267.8), dbSNP rs2135902093, ClinGen allele CA386791599.

ClinVar aggregate classification (germline): Uncertain significance (1 of 4 stars; one submission).

Conditions:
RASopathy. Also called: rasopathies; Noonan spectrum disorder. Identifiers: Orphanet 536391, MedGen C5555857, MONDO:0021060.

Submission:

Labcorp Genetics (formerly Invitae), Labcorp
Classification: Uncertain significance for RASopathy. Last evaluated: 2021-06-17. Review status: criteria provided, single submitter. Criteria: Invitae Variant Classification Sherloc (09022015). Collection method: clinical testing. Allele origin: germline.
Comment: Advanced modeling of protein sequence and biophysical properties (such as structural, functional, and spatial information, amino acid conservation, physicochemical variation, residue mobility, and thermodynamic stability) performed at Invitae indicates that this missense variant is expected to disrupt PTPN11 protein function. This variant has not been reported in the literature in individuals with PTPN11-related conditions. This variant is not present in population databases (ExAC no frequency). This sequence change replaces serine with tyrosine at codon 350 of the PTPN11 protein (p.Ser350Tyr). The serine residue is moderately conserved and there is a large physicochemical difference between serine and tyrosine. In summary, the available evidence is currently insufficient to determine the role of this variant in disease. Therefore, it has been classified as a Variant of Uncertain Significance.